The following is an entry in ClinVar:

NM_006514.4(SCN10A):c.509T>G (p.Ile170Arg)

Gene: SCN10A (sodium voltage-gated channel alpha subunit 10; minus strand). Cytogenetic location: 3p22.2.
Variant type: single nucleotide variant.
Coding change: c.509T>G on transcript NM_006514.4 (MANE Select); coding-DNA position 509, T replaced by G.
Protein change: p.Ile170Arg; replaces isoleucine 170 with arginine.
Molecular consequence: missense variant.
Genome position (GRCh38, 1-based): chr3:38,771,369, A>C on the plus strand (T>G on the coding strand, the complement: SCN10A is on the minus strand). VCF-style: chr3-38771369-A-C. GRCh37 (hg19) VCF-style: chr3-38812860-A-C.
Other names: c.509T>G, p.Ile170Arg (NM_001293306.2, NM_001293307.2); c.509T>G (NM_006514.2); short protein forms I170R.
Identifiers: ClinVar variation 639847 (VCV000639847.2), dbSNP rs769305453, ClinGen allele CA352156415.

ClinVar aggregate classification (germline): Uncertain significance. Review status: criteria provided, multiple submitters, no conflicts (2 of 4 stars). 2 submissions from 2 submitters: Uncertain significance (2). Last evaluated 2025-12-24.

Conditions:
Brugada syndrome. Also called: Sudden unexplained nocturnal death syndrome; Sudden unexpected nocturnal death syndrome; Sudden Unexplained Death Syndrome; Sudden Unexplained Nocturnal Death Syndrome (SUNDS). Identifiers: Orphanet 130, MedGen C1142166, MONDO:0015263.
Cardiovascular phenotype. Identifiers: MedGen CN230736.

Allele frequency attached by ClinVar (database versions not stated): TOPMed below 0.00001; gnomAD 0.00001.
gnomAD v4.1: 4 of 1,614,028 alleles (0.00025%); highest among the groups gnomAD compares: Admixed American, 0.0067%; no homozygotes.

Submissions (2):

Ambry Genetics
Classification: Uncertain significance for Cardiovascular phenotype. Last evaluated: 2025-12-24. Review status: criteria provided, single submitter. Criteria: Ambry Variant Classification Scheme 2023. Collection method: clinical testing. Allele origin: germline.
Comment: The p.I170R variant (also known as c.509T>G), located in coding exon 4 of the SCN10A gene, results from a T to G substitution at nucleotide position 509. The isoleucine at codon 170 is replaced by arginine, an amino acid with similar properties. This amino acid position is conserved. In addition, this alteration is predicted to be deleterious by in silico analysis. Based on the available evidence, the clinical significance of this variant remains unclear.

Labcorp Genetics (formerly Invitae), Labcorp
Classification: Uncertain significance for Brugada syndrome. Last evaluated: 2018-12-04. Review status: criteria provided, single submitter. Criteria: Invitae Variant Classification Sherloc (09022015). Collection method: clinical testing. Allele origin: germline.
Comment: This sequence change replaces isoleucine with arginine at codon 170 of the SCN10A protein (p.Ile170Arg). The isoleucine residue is highly conserved and there is a moderate physicochemical difference between isoleucine and arginine. This variant is not present in population databases (ExAC no frequency). This variant has not been reported in the literature in individuals with SCN10A-related conditions. Algorithms developed to predict the effect of missense changes on protein structure and function (SIFT, PolyPhen-2, Align-GVGD) all suggest that this variant is likely to be disruptive, but these predictions have not been confirmed by published functional studies and their clinical significance is uncertain. In summary, the available evidence is currently insufficient to determine the role of this variant in disease. Therefore, it has been classified as a Variant of Uncertain Significance.